The following is an entry in ClinVar:

ClinVar aggregate classification (germline): Uncertain significance (1 of 4 stars; one submission).

gnomAD v4.1: 1 of 1,613,928 alleles (0.000062%); highest among the groups gnomAD compares: African/African-American, 0.0013%; no homozygotes.

Submission:

GeneDx
Classification: Uncertain significance. Last evaluated: 2025-07-07. Review status: criteria provided, single submitter. Criteria: GeneDx Variant Classification Process June 2021. Collection method: clinical testing. Allele origin: germline. Affected: yes.
Comment: Not observed at significant frequency in large population cohorts (gnomAD); In silico analysis supports that this missense variant has a deleterious effect on protein structure/function; Has not been previously published as pathogenic or benign to our knowledge

NM_017755.6(NSUN2):c.1265T>A (p.Phe422Tyr)

Gene: NSUN2 (NOP2/Sun RNA methyltransferase 2; minus strand). Cytogenetic location: 5p15.31.
Variant type: single nucleotide variant.
Coding change: c.1265T>A on transcript NM_017755.6 (MANE Select); coding-DNA position 1265, T replaced by A.
Protein change: p.Phe422Tyr; replaces phenylalanine 422 with tyrosine.
Molecular consequence: missense variant. On other transcripts: non-coding transcript variant (1).
Genome position (GRCh38, 1-based): chr5:6,609,884, A>T on the plus strand (T>A on the coding strand, the complement: NSUN2 is on the minus strand). VCF-style: chr5-6609884-A-T. GRCh37 (hg19) VCF-style: chr5-6609997-A-T.
Other names: c.1160T>A, p.Phe387Tyr (NM_001193455.2); short protein forms F387Y, F422Y.
Identifiers: ClinVar variation 4685212 (VCV004685212.1).